The following is an entry in ClinVar:

ClinVar aggregate classification (germline): Uncertain significance (1 of 4 stars; one submission).

Submission:

GeneDx
Classification: Uncertain significance. Last evaluated: 2022-09-26. Review status: criteria provided, single submitter. Criteria: GeneDx Variant Classification Process June 2021. Collection method: clinical testing. Allele origin: germline. Affected: yes.
Comment: Not observed at significant frequency in large population cohorts (gnomAD); Missense variants in this gene are often considered pathogenic (HGMD); In silico analysis supports that this missense variant has a deleterious effect on protein structure/function; Has not been previously published as pathogenic or benign to our knowledge

NM_006086.4(TUBB3):c.895A>G (p.Met299Val)

Gene: TUBB3 (tubulin beta 3 class III; plus strand). Cytogenetic location: 16q24.3.
Variant type: single nucleotide variant.
Coding change: c.895A>G on transcript NM_006086.4 (MANE Select); coding-DNA position 895, A replaced by G.
Protein change: p.Met299Val; replaces methionine 299 with valine.
Molecular consequence: missense variant.
Genome position (GRCh38, 1-based): chr16:89,935,346, A>G. VCF-style: chr16-89935346-A-G. GRCh37 (hg19) VCF-style: chr16-90001754-A-G.
Other names: c.679A>G, p.Met227Val (NM_001197181.2); short protein forms M227V, M299V.
Identifiers: ClinVar variation 2446326 (VCV002446326.1), dbSNP rs2544627835, ClinGen allele CA397475791.